The following is an entry in ClinVar:

NM_006593.4(TBR1):c.337C>T (p.Pro113Ser)

Gene: TBR1 (T-box brain transcription factor 1; plus strand). Cytogenetic location: 2q24.2.
Variant type: single nucleotide variant.
Coding change: c.337C>T on transcript NM_006593.4 (MANE Select); coding-DNA position 337, C replaced by T.
Protein change: p.Pro113Ser; replaces proline 113 with serine.
Molecular consequence: missense variant.
Genome position (GRCh38, 1-based): chr2:161,416,747, C>T. VCF-style: chr2-161416747-C-T. GRCh37 (hg19) VCF-style: chr2-162273258-C-T.
Other names: short protein forms P113S.
Identifiers: ClinVar variation 2506755 (VCV002506755.2), dbSNP rs2105278332, ClinGen allele CA349211177.
Genomic context (GRCh38, chr2:161,416,747, plus strand): 5'-CTTCGTCACAGTTTCGATGGCTCTGCTGCAGATCGCTACCTCCTCTCTCAGTCCAGCCAG[C>T]CACAGTCTGCGGCCACTGCTCCCAGTGCCATGTTCCCGTACCCCGGCCAGCACGGACCGG-3'
Protein context (NP_006584.1, residues 103-123): DRYLLSQSSQ[Pro113Ser]QSAATAPSAM

ClinVar aggregate classification (germline): Uncertain significance (1 of 4 stars; one submission).

Submission:

GeneDx
Classification: Uncertain significance. Last evaluated: 2023-07-05. Review status: criteria provided, single submitter. Criteria: GeneDx Variant Classification Process June 2021. Collection method: clinical testing. Allele origin: germline. Affected: yes.
Comment: Not observed at significant frequency in large population cohorts (gnomAD); In silico analysis supports that this missense variant does not alter protein structure/function; Has not been previously published as pathogenic or benign to our knowledge